The following is an entry in ClinVar:

ClinVar aggregate classification (germline): Likely benign (1 of 4 stars; one submission).

Allele frequency attached by ClinVar (database versions not stated): gnomAD 0.00001 and 0.00009; TOPMed 0.00001; 1000 Genomes Project 30x 0.00062; 1000 Genomes Project 0.00100.

Submission:

GeneDx
Classification: Likely benign. Last evaluated: 2017-06-12. Review status: criteria provided, single submitter. Criteria: GeneDx Variant Classification (06012015). Collection method: clinical testing. Allele origin: germline. Affected: yes.
Comment: This variant is considered likely benign or benign based on one or more of the following criteria: it is a conservative change, it occurs at a poorly conserved position in the protein, it is predicted to be benign by multiple in silico algorithms, and/or has population frequency not consistent with disease.

NM_001077365.2(POMT1):c.-31+16C>G

Gene: POMT1 (protein O-mannosyltransferase 1; plus strand). Cytogenetic location: 9q34.13.
Variant type: single nucleotide variant.
Coding change: c.-31+16C>G on transcript NM_001077365.2 (MANE Select); 16 bases into the intron after 31 bases upstream of the start codon, C replaced by G.
Molecular consequence: intron variant. On other transcripts: 5 prime UTR variant (5), non-coding transcript variant (2).
Genome position (GRCh38, 1-based): chr9:131,503,089, C>G. VCF-style: chr9-131503089-C-G. GRCh37 (hg19) VCF-style: chr9-134378476-C-G.
Other names: c.-255C>G (NM_001136113.2, NM_001353193.2); c.-265C>G (NM_001353194.2); c.-726C>G (NM_001353198.2); c.-296C>G (NM_001374691.1); c.-31+16C>G (NM_007171.4, NM_001374690.1, NM_001353196.2); c.-275+16C>G (NM_001353195.2); c.-224+16C>G (NM_001374692.1); c.-182+16C>G (NM_001374695.1); and 3 more.
Identifiers: ClinVar variation 516501 (VCV000516501.1), dbSNP rs535602204, ClinGen allele CA200775576.
Genomic context (GRCh38, chr9:131,503,089, plus strand): 5'-TGCCGGGAGCCGGGCGCGGCTCTGTGTGGACTCGGAGAAACGCGGGTACATTTGGGGACA[C>G]CGGGGACGAGAGCCCAGCCCGGACTTGGGGGAGTCCGTCAGTGCCGGACGCGGGTCCCTG-3'